The following is an entry in ClinVar:

ClinVar aggregate classification (germline): Uncertain significance (1 of 4 stars; one submission).

Conditions:
Hereditary cancer-predisposing syndrome. Also called: Hereditary neoplastic syndrome; Neoplastic Syndromes, Hereditary; Tumor predisposition; Hereditary Cancer Syndrome. Identifiers: Orphanet 140162, MedGen C0027672, MeSH D009386, MONDO:0015356.

Submission:

Labcorp Genetics (formerly Invitae), Labcorp
Classification: Uncertain significance for Hereditary cancer-predisposing syndrome. Last evaluated: 2022-02-23. Review status: criteria provided, single submitter. Criteria: Invitae Variant Classification Sherloc (09022015). Collection method: clinical testing. Allele origin: germline.
Comment: This sequence change replaces lysine, which is basic and polar, with glutamic acid, which is acidic and polar, at codon 452 of the RAD50 protein (p.Lys452Glu). In summary, the available evidence is currently insufficient to determine the role of this variant in disease. Therefore, it has been classified as a Variant of Uncertain Significance. Algorithms developed to predict the effect of missense changes on protein structure and function are either unavailable or do not agree on the potential impact of this missense change (SIFT: "Deleterious"; PolyPhen-2: "Benign"; Align-GVGD: "Class C0"). This variant has not been reported in the literature in individuals affected with RAD50-related conditions. This variant is not present in population databases (gnomAD no frequency).

NM_005732.4(RAD50):c.1354A>G (p.Lys452Glu)

Gene: RAD50 (RAD50 double strand break repair protein; plus strand). Cytogenetic location: 5q31.1.
Variant type: single nucleotide variant.
Coding change: c.1354A>G on transcript NM_005732.4 (MANE Select); coding-DNA position 1354, A replaced by G.
Protein change: p.Lys452Glu; replaces lysine 452 with glutamic acid.
Molecular consequence: missense variant.
Genome position (GRCh38, 1-based): chr5:132,589,739, A>G. VCF-style: chr5-132589739-A-G. GRCh37 (hg19) VCF-style: chr5-131925431-A-G.
Other names: short protein forms K452E.
Identifiers: ClinVar variation 2047698 (VCV002047698.4), dbSNP rs2479637160, ClinGen allele CA360944260.